The following is an entry in ClinVar:

NM_001370298.3(FGD4):c.1543A>C (p.Lys515Gln)

Gene: FGD4 (FYVE, RhoGEF and PH domain containing 4; plus strand). Cytogenetic location: 12p11.21.
Variant type: single nucleotide variant.
Coding change: c.1543A>C on transcript NM_001370298.3 (MANE Select); coding-DNA position 1543, A replaced by C.
Protein change: p.Lys515Gln; replaces lysine 515 with glutamine.
Molecular consequence: missense variant.
Genome position (GRCh38, 1-based): chr12:32,608,095, A>C. VCF-style: chr12-32608095-A-C. GRCh37 (hg19) VCF-style: chr12-32761029-A-C.
Other names: c.1387A>C, p.Lys463Gln (NM_001304481.2); c.388A>C, p.Lys130Gln (NM_001304483.2); c.100A>C, p.Lys34Gln (NM_001304484.2); c.853A>C, p.Lys285Gln (NM_001330373.2, NM_001330374.2, NM_001384130.1); c.580A>C, p.Lys194Gln (NM_001370297.1); c.1543A>C, p.Lys515Gln (NM_001384126.1); c.1132A>C, p.Lys378Gln (NM_001384127.1, NM_001384128.1, NM_001385118.1 and 1 more transcripts); short protein forms K194Q, K378Q, K463Q, K285Q, K515Q, K130Q, K34Q.
Identifiers: ClinVar variation 1368866 (VCV001368866.6), dbSNP rs2136725845, ClinGen allele CA384360643.

ClinVar aggregate classification (germline): Uncertain significance (1 of 4 stars; one submission).

Conditions:
Charcot-Marie-Tooth disease type 4. Also called: Charcot-Marie-Tooth disease, type IV; Charcot-Marie-Tooth, Type 4. Identifiers: Orphanet 64749, MedGen C4082197, MONDO:0018995.

Submission:

Labcorp Genetics (formerly Invitae), Labcorp
Classification: Uncertain significance for Charcot-Marie-Tooth disease type 4. Last evaluated: 2021-08-02. Review status: criteria provided, single submitter. Criteria: Invitae Variant Classification Sherloc (09022015). Collection method: clinical testing. Allele origin: germline.
Comment: This sequence change replaces lysine with glutamine at codon 378 of the FGD4 protein (p.Lys378Gln). The lysine residue is highly conserved and there is a small physicochemical difference between lysine and glutamine. In summary, the available evidence is currently insufficient to determine the role of this variant in disease. Therefore, it has been classified as a Variant of Uncertain Significance. Algorithms developed to predict the effect of sequence changes on RNA splicing suggest that this variant may disrupt the consensus splice site. Algorithms developed to predict the effect of missense changes on protein structure and function (SIFT, PolyPhen-2, Align-GVGD) all suggest that this variant is likely to be disruptive. This variant has not been reported in the literature in individuals affected with FGD4-related conditions. This variant is not present in population databases (ExAC no frequency).